The following is an entry in ClinVar:

NM_000722.4(CACNA2D1):c.729-10T>C

Gene: CACNA2D1 (calcium voltage-gated channel auxiliary subunit alpha2delta 1; minus strand). Cytogenetic location: 7q21.11.
Variant type: single nucleotide variant.
Coding change: c.729-10T>C on transcript NM_000722.4 (MANE Select); 10 bases into the intron before coding-DNA position 729, T replaced by C.
Molecular consequence: intron variant.
Genome position (GRCh38, 1-based): chr7:82,064,364, A>G on the plus strand (T>C on the coding strand, the complement: CACNA2D1 is on the minus strand). VCF-style: chr7-82064364-A-G. GRCh37 (hg19) VCF-style: chr7-81693680-A-G.
Other names: c.729-10T>C (NM_001366867.1, NM_001302890.2).
Identifiers: ClinVar variation 2761945 (VCV002761945.3), dbSNP rs2486107886, ClinGen allele CA2683543189.

ClinVar aggregate classification (germline): Uncertain significance (1 of 4 stars; one submission).

Conditions:
Brugada syndrome. Also called: Sudden Unexplained Death Syndrome; Sudden Unexplained Nocturnal Death Syndrome (SUNDS); Sudden unexpected nocturnal death syndrome; Sudden unexplained nocturnal death syndrome. Identifiers: Orphanet 130, MedGen C1142166, MONDO:0015263.

Allele frequency attached by ClinVar (database versions not stated): gnomAD exomes below 0.00001.
gnomAD v4.1: 1 of 1,587,432 alleles (0.000063%); highest among the groups gnomAD compares: Non-Finnish European, 0.000086%; no homozygotes.

Submission:

Labcorp Genetics (formerly Invitae), Labcorp
Classification: Uncertain significance for Brugada syndrome. Last evaluated: 2023-12-11. Review status: criteria provided, single submitter. Criteria: Invitae Variant Classification Sherloc (09022015). Collection method: clinical testing. Allele origin: germline.
Comment: This sequence change falls in intron 8 of the CACNA2D1 gene. It does not directly change the encoded amino acid sequence of the CACNA2D1 protein. This variant is not present in population databases (gnomAD no frequency). This variant has not been reported in the literature in individuals affected with CACNA2D1-related conditions. Algorithms developed to predict the effect of sequence changes on RNA splicing suggest that this variant may disrupt the consensus splice site. In summary, the available evidence is currently insufficient to determine the role of this variant in disease. Therefore, it has been classified as a Variant of Uncertain Significance.